The following is an entry in ClinVar:

ClinVar aggregate classification (germline): Uncertain significance. Review status: criteria provided, multiple submitters, no conflicts (2 of 4 stars). 3 submissions from 3 submitters: Uncertain significance (3). Last evaluated 2025-08-19.

Conditions:
Hyperaldosteronism, familial, type IV (HALD4). Also called: ALDOSTERONISM, PRIMARY, AND HYPERTENSION; FH IV. Identifiers: Orphanet 642671, MedGen C4310756, MONDO:0014875, OMIM 617027.
Idiopathic generalized epilepsy. Also called: EIG; Generalised epilepsy. Identifiers: MedGen C0270850, MONDO:0005579, OMIM 600669.
Epilepsy, childhood absence, susceptibility to, 6. Identifiers: Orphanet 64280, MedGen C2749872, MONDO:0012763, OMIM 611942.

Allele frequency attached by ClinVar (database versions not stated): gnomAD exomes below 0.00001; gnomAD 0.00001; TOPMed 0.00002.
gnomAD v4.1: 3 of 1,284,482 alleles (0.00023%); highest among the groups gnomAD compares: Admixed American, 0.0084%; no homozygotes.

Submissions (3):

Labcorp Genetics (formerly Invitae), Labcorp
Classification: Uncertain significance for Idiopathic generalized epilepsy; Hyperaldosteronism, familial, type IV. Last evaluated: 2025-08-19. Review status: criteria provided, single submitter. Criteria: Invitae Variant Classification Sherloc (09022015). Collection method: clinical testing. Allele origin: germline.
Comment: This sequence change replaces serine, which is neutral and polar, with phenylalanine, which is neutral and non-polar, at codon 29 of the CACNA1H protein (p.Ser29Phe). This variant is not present in population databases (gnomAD no frequency). This variant has not been reported in the literature in individuals affected with CACNA1H-related conditions. ClinVar contains an entry for this variant (Variation ID: 804677). Invitae Evidence Modeling of protein sequence and biophysical properties (such as structural, functional, and spatial information, amino acid conservation, physicochemical variation, residue mobility, and thermodynamic stability) indicates that this missense variant is not expected to disrupt CACNA1H protein function with a negative predictive value of 95%. In summary, the available evidence is currently insufficient to determine the role of this variant in disease. Therefore, it has been classified as a Variant of Uncertain Significance.

Fulgent Genetics
Classification: Uncertain significance for Epilepsy, childhood absence, susceptibility to, 6; Hyperaldosteronism, familial, type IV. Last evaluated: 2021-12-07. Review status: criteria provided, single submitter. Criteria: ACMG Guidelines, 2015. Collection method: clinical testing. Allele origin: unknown.

Athena Diagnostics
Classification: Uncertain significance. Last evaluated: 2018-09-28. Review status: criteria provided, single submitter. Criteria: Athena Diagnostics Criteria. Collection method: clinical testing. Allele origin: germline.

NM_021098.3(CACNA1H):c.86C>T (p.Ser29Phe)

Gene: CACNA1H (calcium voltage-gated channel subunit alpha1 H; plus strand). Cytogenetic location: 16p13.3.
Variant type: single nucleotide variant.
Coding change: c.86C>T on transcript NM_021098.3 (MANE Select); coding-DNA position 86, C replaced by T.
Protein change: p.Ser29Phe; replaces serine 29 with phenylalanine.
Molecular consequence: missense variant.
Genome position (GRCh38, 1-based): chr16:1,153,823, C>T. VCF-style: chr16-1153823-C-T. GRCh37 (hg19) VCF-style: chr16-1203823-C-T.
Other names: c.86C>T, p.Ser29Phe (NM_001005407.2); short protein forms S29F.
Identifiers: ClinVar variation 804677 (VCV000804677.10), dbSNP rs1443348691, ClinGen allele CA394145471.